The following is an entry in ClinVar:

NM_001302371.3(NBPF10):c.4459G>A (p.Asp1487Asn)

Gene: NBPF10 (NBPF member 10; minus strand). Cytogenetic location: 1q21.1.
Variant type: single nucleotide variant.
Coding change: c.4459G>A on transcript NM_001302371.3 (MANE Select); coding-DNA position 4459, G replaced by A.
Protein change: p.Asp1487Asn; replaces aspartic acid 1487 with asparagine.
Molecular consequence: missense variant.
Genome position (GRCh38, 1-based): chr1:146,109,791, C>T on the plus strand (G>A on the coding strand, the complement: NBPF10 is on the minus strand). VCF-style: chr1-146109791-C-T. GRCh37 (hg19) VCF-style: chr1-145328386-G-A.
Other names: c.4459G>A, p.Asp1487Asn (NM_001039703.6); short protein forms D1487N.
Identifiers: ClinVar variation 2639096 (VCV002639096.24), dbSNP rs587698666, ClinGen allele CA1052452.
Genomic context (GRCh38, chr1:146,109,791, plus strand): 5'-GTTCACAATTGCTCAGTTACCTGGGGCATGGTGGGTCTTGGTCTTCTTCCTCTTCTTCGT[C>T]CTTTTTAATTCCTGCAATACATTCAGACAGGGACAGACAAAATAAGCCAATTCACCTACA-3'
Protein context (NP_001289300.1, residues 1477-1497): LALDVDRIKK[Asp1487Asn]EEEEEDQDPP

ClinVar aggregate classification (germline): Likely benign (1 of 4 stars; one submission).

Allele frequency attached by ClinVar (database versions not stated): 1000 Genomes Project 0.00040.

Submission:

CeGaT Center for Human Genetics Tuebingen
Classification: Likely benign. Last evaluated: 2023-08-01. Review status: criteria provided, single submitter. Criteria: CeGaT Center For Human Genetics Tuebingen Variant Classification Criteria Version 2. Collection method: clinical testing. Allele origin: germline. Affected: yes. Observed: 1 variant allele.
Comment: NBPF10: BP4, BS2